The following is an entry in ClinVar:

NM_001854.4(COL11A1):c.4544A>G (p.Lys1515Arg)

Gene: COL11A1 (collagen type XI alpha 1 chain; minus strand). Cytogenetic location: 1p21.1.
Variant type: single nucleotide variant.
Coding change: c.4544A>G on transcript NM_001854.4 (MANE Select); coding-DNA position 4544, A replaced by G.
Protein change: p.Lys1515Arg; replaces lysine 1515 with arginine.
Molecular consequence: missense variant. On other transcripts: non-coding transcript variant (1).
Genome position (GRCh38, 1-based): chr1:102,888,733, T>C on the plus strand (A>G on the coding strand, the complement: COL11A1 is on the minus strand). VCF-style: chr1-102888733-T-C. GRCh37 (hg19) VCF-style: chr1-103354289-T-C.
Other names: c.4196A>G, p.Lys1399Arg (NM_001168249.1, NM_080630.4); c.4427A>G, p.Lys1476Arg (NM_001190709.2); c.4580A>G, p.Lys1527Arg (NM_080629.3); short protein forms K1399R, K1527R, K1476R, K1515R.
Identifiers: ClinVar variation 2825575 (VCV002825575.3), dbSNP rs2524244630, ClinGen allele CA341212396.

ClinVar aggregate classification (germline): Uncertain significance (1 of 4 stars; one submission).

Allele frequency attached by ClinVar (database versions not stated): gnomAD exomes below 0.00001.
gnomAD v4.1: 3 of 1,613,978 alleles (0.00019%); highest among the groups gnomAD compares: South Asian, 0.0033%; no homozygotes.

Submission:

Labcorp Genetics (formerly Invitae), Labcorp
Classification: Uncertain significance. Last evaluated: 2022-12-31. Review status: criteria provided, single submitter. Criteria: Invitae Variant Classification Sherloc (09022015). Collection method: clinical testing. Allele origin: germline.
Comment: Advanced modeling of protein sequence and biophysical properties (such as structural, functional, and spatial information, amino acid conservation, physicochemical variation, residue mobility, and thermodynamic stability) performed at Invitae indicates that this missense variant is expected to disrupt COL11A1 protein function. This variant has not been reported in the literature in individuals affected with COL11A1-related conditions. This variant is not present in population databases (gnomAD no frequency). This sequence change replaces lysine, which is basic and polar, with arginine, which is basic and polar, at codon 1515 of the COL11A1 protein (p.Lys1515Arg). In summary, the available evidence is currently insufficient to determine the role of this variant in disease. Therefore, it has been classified as a Variant of Uncertain Significance.